The following is an entry in ClinVar:

NM_144643.4(SCLT1):c.501A>G (p.Glu167=)

Gene: SCLT1 (sodium channel and clathrin linker 1; minus strand). Cytogenetic location: 4q28.2.
Variant type: single nucleotide variant.
Coding change: c.501A>G on transcript NM_144643.4 (MANE Select); coding-DNA position 501, A replaced by G.
Protein change: p.Glu167=; no amino-acid change (glutamic acid 167 retained).
Molecular consequence: synonymous variant.
Genome position (GRCh38, 1-based): chr4:128,999,720, T>C on the plus strand (A>G on the coding strand, the complement: SCLT1 is on the minus strand). VCF-style: chr4-128999720-T-C. GRCh37 (hg19) VCF-style: chr4-129920875-T-C.
Other names: c.501A>G, p.Glu167= (NM_001410807.1).
Identifiers: ClinVar variation 4982461 (VCV004982461.1).

ClinVar aggregate classification (germline): Likely benign (1 of 4 stars; one submission).

Conditions:
SCLT1-related disorder. Also called: SCLT1-related condition.

Submission:

PreventionGenetics, part of Exact Sciences
Classification: Likely benign for SCLT1-related condition. Last evaluated: 2025-10-06. Review status: criteria provided, single submitter. Criteria: ACMG Guidelines, 2015. Collection method: clinical testing. Allele origin: germline.
Comment: This variant is classified as likely benign based on ACMG/AMP sequence variant interpretation guidelines (Richards et al. 2015 PMID: 25741868, with internal and published modifications).